The following is an entry in ClinVar:

NM_003104.6(SORD):c.366G>A (p.Thr122=)

Gene: SORD (sorbitol dehydrogenase; plus strand). Cytogenetic location: 15q21.1.
Variant type: single nucleotide variant.
Coding change: c.366G>A on transcript NM_003104.6 (MANE Select); coding-DNA position 366, G replaced by A.
Protein change: p.Thr122=; no amino-acid change (threonine 122 retained).
Molecular consequence: synonymous variant. On other transcripts: non-coding transcript variant (1).
Genome position (GRCh38, 1-based): chr15:45,061,167, G>A. VCF-style: chr15-45061167-G-A. GRCh37 (hg19) VCF-style: chr15-45353365-G-A.
Other names: p.Thr122=.
Identifiers: ClinVar variation 4683974 (VCV004683974.1).

ClinVar aggregate classification (germline): Benign (1 of 4 stars; one submission).

gnomAD v4.1: 30,685 of 1,611,784 alleles (1.9%); highest among the groups gnomAD compares: Non-Finnish European, 2.3%; 395 homozygotes.

Submission:

Mayo Clinic Laboratories, Mayo Clinic
Classification: Benign. Last evaluated: 2023-03-15. Review status: criteria provided, single submitter. Criteria: ACMG Guidelines, 2015. Collection method: clinical testing. Allele origin: germline. Observed: 49 variant alleles.
Comment: BS1, BS2, BP4, BP7